The following is an entry in ClinVar:

NM_173354.5(SIK1):c.2200A>C (p.Ile734Leu)

Gene: SIK1 (salt inducible kinase 1; minus strand). Cytogenetic location: 21q22.3.
Variant type: single nucleotide variant.
Coding change: c.2200A>C on transcript NM_173354.5 (MANE Select); coding-DNA position 2200, A replaced by C.
Protein change: p.Ile734Leu; replaces isoleucine 734 with leucine.
Molecular consequence: missense variant.
Genome position (GRCh38, 1-based): chr21:43,416,894, T>G on the plus strand (A>C on the coding strand, the complement: SIK1 is on the minus strand). VCF-style: chr21-43416894-T-G. GRCh37 (hg19) VCF-style: chr21-44836774-T-G.
Other names: short protein forms I734L.
Identifiers: ClinVar variation 1718065 (VCV001718065.6), dbSNP rs2516963733, ClinGen allele CA410606461.
Genomic context (GRCh38, chr21:43,416,894, plus strand): 5'-GGGCCAGCCTGGCCAGGCGTGGTGGGGGCACAGCGGGGAGGGCGGTGGGGCCGGTGCCAA[T>G]GTGCAGGTGTGTGTCCAGGAGCTGCGCCGCTGAGGCCACCGGGGACGCGCCGGTCTGCAG-3'
Protein context (NP_775490.2, residues 724-744): AAQLLDTHLH[Ile734Leu]GTGPTALPAV

ClinVar aggregate classification (germline): Uncertain significance (1 of 4 stars; one submission).

Conditions:
Developmental and epileptic encephalopathy, 30 (DEE30). Also called: Epileptic encephalopathy, early infantile, 30. Identifiers: MedGen C4225360, MONDO:0014595, OMIM 616341.

Submission:

Labcorp Genetics (formerly Invitae), Labcorp
Classification: Uncertain significance for Developmental and epileptic encephalopathy, 30. Last evaluated: 2022-08-26. Review status: criteria provided, single submitter. Criteria: Invitae Variant Classification Sherloc (09022015). Collection method: clinical testing. Allele origin: germline.
Comment: In summary, the available evidence is currently insufficient to determine the role of this variant in disease. Therefore, it has been classified as a Variant of Uncertain Significance. Advanced modeling of protein sequence and biophysical properties (such as structural, functional, and spatial information, amino acid conservation, physicochemical variation, residue mobility, and thermodynamic stability) performed at Invitae indicates that this missense variant is not expected to disrupt SIK1 protein function. This variant has not been reported in the literature in individuals affected with SIK1-related conditions. This variant is not present in population databases (gnomAD no frequency). This sequence change replaces isoleucine, which is neutral and non-polar, with leucine, which is neutral and non-polar, at codon 734 of the SIK1 protein (p.Ile734Leu).